The following is an entry in ClinVar:

ClinVar aggregate classification (germline): Uncertain significance. Review status: criteria provided, multiple submitters, no conflicts (2 of 4 stars). 3 submissions from 3 submitters: Uncertain significance (3). Last evaluated 2025-12-16.

Conditions:
Aortic valve disease 2 (AOVD2). Identifiers: MedGen C3542024, MONDO:0013902, OMIM 614823.
Inborn genetic diseases. Identifiers: MedGen C0950123, MeSH D030342.

Allele frequency attached by ClinVar (database versions not stated): gnomAD exomes 0.00003 and 0.00002; TOPMed 0.00003; gnomAD 0.00004; ExAC 0.00002.
gnomAD v4.1: 28 of 1,612,156 alleles (0.0017%); highest among the groups gnomAD compares: African/African-American, 0.0093%; no homozygotes.

Submissions (3):

Ambry Genetics
Classification: Uncertain significance for Inborn genetic diseases. Last evaluated: 2025-12-16. Review status: criteria provided, single submitter. Criteria: Ambry Variant Classification Scheme 2023. Collection method: clinical testing. Allele origin: germline.

Labcorp Genetics (formerly Invitae), Labcorp
Classification: Uncertain significance for Aortic valve disease 2. Last evaluated: 2024-07-30. Review status: criteria provided, single submitter. Criteria: Invitae Variant Classification Sherloc (09022015). Collection method: clinical testing. Allele origin: germline.
Comment: This sequence change replaces proline, which is neutral and non-polar, with leucine, which is neutral and non-polar, at codon 313 of the SMAD6 protein (p.Pro313Leu). This variant is present in population databases (rs748388661, gnomAD 0.02%). This variant has not been reported in the literature in individuals affected with SMAD6-related conditions. ClinVar contains an entry for this variant (Variation ID: 1319866). Advanced modeling of protein sequence and biophysical properties (such as structural, functional, and spatial information, amino acid conservation, physicochemical variation, residue mobility, and thermodynamic stability) performed at Invitae indicates that this missense variant is not expected to disrupt SMAD6 protein function with a negative predictive value of 80%. In summary, the available evidence is currently insufficient to determine the role of this variant in disease. Therefore, it has been classified as a Variant of Uncertain Significance.

Institute for Clinical Genetics, University Hospital TU Dresden, University Hospital TU Dresden
Classification: Uncertain significance. Last evaluated: 2021-11-03. Review status: criteria provided, single submitter. Criteria: ACMG Guidelines, 2015. Collection method: clinical testing. Allele origin: germline.

NM_005585.5(SMAD6):c.938C>T (p.Pro313Leu)

Gene: SMAD6 (SMAD family member 6; plus strand). Cytogenetic location: 15q22.31.
Variant type: single nucleotide variant.
Coding change: c.938C>T on transcript NM_005585.5 (MANE Select); coding-DNA position 938, C replaced by T.
Protein change: p.Pro313Leu; replaces proline 313 with leucine.
Molecular consequence: missense variant. On other transcripts: non-coding transcript variant (1).
Genome position (GRCh38, 1-based): chr15:66,716,484, C>T. VCF-style: chr15-66716484-C-T. GRCh37 (hg19) VCF-style: chr15-67008822-C-T.
Other names: short protein forms P313L.
Identifiers: ClinVar variation 1319866 (VCV001319866.12), dbSNP rs748388661, ClinGen allele CA7626652.